The following is an entry in ClinVar:

NM_175875.5(SIX5):c.1435G>C (p.Val479Leu)

Gene: SIX5 (SIX homeobox 5; minus strand). Cytogenetic location: 19q13.32.
Variant type: single nucleotide variant.
Coding change: c.1435G>C on transcript NM_175875.5 (MANE Select); coding-DNA position 1435, G replaced by C.
Protein change: p.Val479Leu; replaces valine 479 with leucine.
Molecular consequence: missense variant.
Genome position (GRCh38, 1-based): chr19:45,766,524, C>G on the plus strand (G>C on the coding strand, the complement: SIX5 is on the minus strand). VCF-style: chr19-45766524-C-G. GRCh37 (hg19) VCF-style: chr19-46269782-C-G.
Other names: short protein forms V479L.
Identifiers: ClinVar variation 1511927 (VCV001511927.9), dbSNP rs1225040128, ClinGen allele CA406418002.

ClinVar aggregate classification (germline): Uncertain significance. Review status: criteria provided, multiple submitters, no conflicts (2 of 4 stars). 2 submissions from 2 submitters: Uncertain significance (2). Last evaluated 2024-03-19.

Conditions:
Branchiootorenal syndrome 2 (BOR2). Identifiers: Orphanet 107, MedGen C1970479, MONDO:0012575, OMIM 610896.

Allele frequency attached by ClinVar (database versions not stated): gnomAD 0.00001; TOPMed 0.00002.
gnomAD v4.1: 2 of 1,496,756 alleles (0.00013%); highest among the groups gnomAD compares: African/African-American, 0.0028%; no homozygotes.

Submissions (2):

Fulgent Genetics
Classification: Uncertain significance for Branchiootorenal syndrome 2. Last evaluated: 2024-03-19. Review status: criteria provided, single submitter. Criteria: ACMG Guidelines, 2015. Collection method: clinical testing. Allele origin: germline.

Labcorp Genetics (formerly Invitae), Labcorp
Classification: Uncertain significance. Last evaluated: 2021-04-13. Review status: criteria provided, single submitter. Criteria: Invitae Variant Classification Sherloc (09022015). Collection method: clinical testing. Allele origin: germline.
Comment: In summary, the available evidence is currently insufficient to determine the role of this variant in disease. Therefore, it has been classified as a Variant of Uncertain Significance. The frequency data for this variant in the population databases is considered unreliable, as metrics indicate insufficient coverage at this position in the ExAC database. This variant has not been reported in the literature in individuals with SIX5-related conditions. This sequence change replaces valine with leucine at codon 479 of the SIX5 protein (p.Val479Leu). The valine residue is moderately conserved and there is a small physicochemical difference between valine and leucine. Algorithms developed to predict the effect of missense changes on protein structure and function are either unavailable or do not agree on the potential impact of this missense change (SIFT: "Deleterious"; PolyPhen-2: "Benign"; Align-GVGD: "Class C0").